The following is an entry in ClinVar:

ClinVar aggregate classification (germline): Pathogenic. Review status: reviewed by expert panel (3 of 4 stars). 2 submissions from 2 submitters: Pathogenic (1). 1 of the submissions does not count toward it. Last evaluated 2016-10-18.

Conditions:
Breast-ovarian cancer, familial, susceptibility to, 2 (BROVCA2). Also called: BRCA2 Hereditary Breast and Ovarian Cancer. Identifiers: Orphanet 145, MedGen C2675520, MONDO:0012933, OMIM 612555. Disease mechanism: loss of function.

Submissions (2):

Evidence-based Network for the Interpretation of Germline Mutant Alleles (ENIGMA)
Classification: Pathogenic for Breast-ovarian cancer, familial, susceptibility to, 2. Last evaluated: 2016-10-18. Review status: reviewed by expert panel. Criteria: ENIGMA BRCA1/2 Classification Criteria (2015). Collection method: curation. Allele origin: germline.
Comment: Variant allele predicted to encode a truncated non-functional protein.

Consortium of Investigators of Modifiers of BRCA1/2 (CIMBA), c/o University of Cambridge
Classification: Pathogenic for Breast-ovarian cancer, familial, susceptibility to, 2. Last evaluated: 2015-10-02. Review status: criteria provided, single submitter. Criteria: CIMBA Mutation Classification guidelines May 2016. Collection method: clinical testing. Allele origin: germline. Not counted in ClinVar's aggregate classification.

NM_000059.4(BRCA2):c.4402_4403insA (p.Ser1468fs)

Gene: BRCA2 (BRCA2 DNA repair associated; plus strand). Cytogenetic location: 13q13.1.
Variant type: Insertion.
Coding change: c.4402_4403insA on transcript NM_000059.4 (MANE Select); coding-DNA positions 4402 to 4403, A inserted.
Protein change: p.Ser1468fs; shifts the reading frame from serine 1468.
Molecular consequence: frameshift variant.
Genome position: GRCh38 VCF-style: chr13-32338757-T-TA. GRCh37 (hg19) VCF-style: chr13-32912894-T-TA.
Other names: 4630insA; short protein forms S1468fs.
Identifiers: ClinVar variation 266809 (VCV000266809.5), dbSNP rs886040527, ClinGen allele CA10589257.